The following is an entry in ClinVar:

NM_003265.3(TLR3):c.395C>G (p.Ser132Cys)

Gene: TLR3 (toll like receptor 3; plus strand). Cytogenetic location: 4q35.1.
Variant type: single nucleotide variant.
Coding change: c.395C>G on transcript NM_003265.3 (MANE Select); coding-DNA position 395, C replaced by G.
Protein change: p.Ser132Cys; replaces serine 132 with cysteine.
Molecular consequence: missense variant.
Genome position (GRCh38, 1-based): chr4:186,077,014, C>G. VCF-style: chr4-186077014-C-G. GRCh37 (hg19) VCF-style: chr4-186998168-C-G.
Other names: short protein forms S132C.
Identifiers: ClinVar variation 3007832 (VCV003007832.3), dbSNP rs2478211090, ClinGen allele CA359107945.

ClinVar aggregate classification (germline): Uncertain significance (1 of 4 stars; one submission).

Conditions:
Encephalopathy, acute, infection-induced (herpes-specific), susceptibility to, 1. Also called: Herpes simplex encephalitis, susceptibility to, 1. Identifiers: Orphanet 1930, MedGen C2750180, MONDO:0024563, OMIM 610551.

Submission:

Labcorp Genetics (formerly Invitae), Labcorp
Classification: Uncertain significance for Encephalopathy, acute, infection-induced (herpes-specific), susceptibility to, 1. Last evaluated: 2023-08-30. Review status: criteria provided, single submitter. Criteria: Invitae Variant Classification Sherloc (09022015). Collection method: clinical testing. Allele origin: germline.
Comment: In summary, the available evidence is currently insufficient to determine the role of this variant in disease. Therefore, it has been classified as a Variant of Uncertain Significance. An algorithm developed to predict the effect of missense changes on protein structure and function (PolyPhen-2) suggests that this variant is likely to be disruptive. This variant has not been reported in the literature in individuals affected with TLR3-related conditions. This variant is not present in population databases (gnomAD no frequency). This sequence change replaces serine, which is neutral and polar, with cysteine, which is neutral and slightly polar, at codon 132 of the TLR3 protein (p.Ser132Cys).